The following is an entry in ClinVar:

ClinVar aggregate classification (germline): Uncertain significance (1 of 4 stars; one submission).

Conditions:
Classic or attenuated familial adenomatous polyposis. Identifiers: MedGen CN372698, MONDO:0021057.

Submission:

All of Us Research Program, National Institutes of Health
Classification: Uncertain significance for Classic or attenuated familial adenomatous polyposis. Last evaluated: 2023-11-30. Review status: criteria provided, single submitter. Criteria: ACMG Guidelines, 2015. Collection method: clinical testing. Allele origin: germline. Inheritance: Autosomal dominant inheritance. Observed: 1 variant allele, 1 heterozygote.
Comment: This study involves interpretation of variants in research participants for the purpose of population health screening. Participant phenotype was not available at the time of variant classification. Additional details can be found in publication PMID: 35346344, PMCID: PMC8962531

NM_000038.6(APC):c.5411T>C (p.Val1804Ala)

Gene: APC (APC regulator of WNT signaling pathway; plus strand). Cytogenetic location: 5q22.2.
Variant type: single nucleotide variant.
Coding change: c.5411T>C on transcript NM_000038.6 (MANE Select); coding-DNA position 5411, T replaced by C.
Protein change: p.Val1804Ala; replaces valine 1804 with alanine.
Molecular consequence: missense variant. On other transcripts: non-coding transcript variant (2).
Genome position (GRCh38, 1-based): chr5:112,841,005, T>C. VCF-style: chr5-112841005-T-C. GRCh37 (hg19) VCF-style: chr5-112176702-T-C.
Other names: c.5411T>C, p.Val1804Ala (NM_001127510.3, NM_001354895.2, NM_001407450.1); c.5357T>C, p.Val1786Ala (NM_001127511.3); c.5465T>C, p.Val1822Ala (NM_001354896.2, NM_001407447.1, NM_001407448.1 and 1 more transcripts); c.5441T>C, p.Val1814Ala (NM_001354897.2); c.5336T>C, p.Val1779Ala (NM_001354898.2); c.5327T>C, p.Val1776Ala (NM_001354899.2); c.5288T>C, p.Val1763Ala (NM_001354900.2); c.5234T>C, p.Val1745Ala (NM_001354901.2, NM_001407453.1); and 11 more; short protein forms V1420A, V1521A, V1644A, V1675A, V1678A, V1703A, V1713A, V1721A.
Identifiers: ClinVar variation 3074017 (VCV003074017.1), dbSNP rs2149939457, ClinGen allele CA16033160.